The following is an entry in ClinVar:

NM_001350814.2(GRB10):c.1389+10C>T

Gene: GRB10 (growth factor receptor bound protein 10; minus strand). Cytogenetic location: 7p12.1.
Variant type: single nucleotide variant.
Coding change: c.1389+10C>T on transcript NM_001350814.2 (MANE Select); 10 bases into the intron after coding-DNA position 1389, C replaced by T.
Molecular consequence: intron variant.
Genome position (GRCh38, 1-based): chr7:50,605,280, G>A on the plus strand (C>T on the coding strand, the complement: GRB10 is on the minus strand). VCF-style: chr7-50605280-G-A. GRCh37 (hg19) VCF-style: chr7-50672977-G-A.
Other names: c.1215+10C>T (NM_001371008.1, NM_001001555.3, NM_001001550.3 and 1 more transcripts); c.1503+10C>T (NM_001350815.2); c.1536+10C>T (NM_001371009.1); c.1251+10C>T (NM_001001549.3).
Identifiers: ClinVar variation 3052437 (VCV003052437.2), dbSNP rs371741953, ClinGen allele CA4262645.
Genomic context (GRCh38, chr7:50,605,280, plus strand): 5'-GGAGAAGACCACGTGGTGGGGCTACCACCTTGAGGGTGCCCCTCCAGGCTGGCCAGGGCC[G>A]GGGCCTTACCCTCCAGGCGTGGCCCTCCTCCAGGGCTGCGCTCTGGGCCTCTGCCGGATT-3'

ClinVar aggregate classification (germline): Likely benign (0 of 4 stars; one submission).

Conditions:
GRB10-related disorder. Also called: GRB10-related condition.

Allele frequency attached by ClinVar (database versions not stated): gnomAD 0.00005; TOPMed 0.00005; ExAC 0.00008; gnomAD exomes 0.00010; ESP Exome Variant Server 0.00025.
gnomAD v4.1: 152 of 1,598,698 alleles (0.0095%); highest among the groups gnomAD compares: Non-Finnish European, 0.011%; no homozygotes.

Submission:

PreventionGenetics, part of Exact Sciences
Classification: Likely benign for GRB10-related condition. Last evaluated: 2019-08-28. Review status: no assertion criteria provided. Collection method: clinical testing. Allele origin: germline.
Comment: This variant is classified as likely benign based on ACMG/AMP sequence variant interpretation guidelines (Richards et al. 2015 PMID: 25741868, with internal and published modifications).